The following is an entry in ClinVar:

ClinVar aggregate classification (germline): Conflicting classifications of pathogenicity. Review status: criteria provided, conflicting classifications (1 of 4 stars). 5 submissions from 5 submitters: Uncertain significance (2); Likely benign (2). 1 of the submissions does not count toward it. Last evaluated 2025-12-22.

Conditions:
ARX-related disorder. Also called: ARX-Related Disorders; ARX-related condition. Identifiers: MedGen CN378769.
Inborn genetic diseases. Identifiers: MedGen C0950123, MeSH D030342.
Developmental and epileptic encephalopathy, 1 (DEE1). Also called: OHTAHARA SYNDROME, X-LINKED; Epileptic encephalopathy, early infantile, 1; INFANTILE SPASM SYNDROME, X-LINKED 1; Tonic spasms with clustering, arrest of psychomotor development and hypsarrhythmia on EEG; X-Linked Infantile Spasm Syndrome; X-linked infantile spasms. Identifiers: MedGen C3463992, MONDO:0010632, OMIM 308350. Disease mechanism: loss of function.
Intellectual disability, X-linked, with or without seizures, ARX-related. Also called: Mental retardation, X-linked 52; MENTAL RETARDATION, X-LINKED 29; MENTAL RETARDATION, X-LINKED 32; MENTAL RETARDATION, X-LINKED 33; MENTAL RETARDATION, X-LINKED 38; MENTAL RETARDATION, X-LINKED 43. Identifiers: Orphanet 777, MedGen C0796244, MONDO:0010317, OMIM 300419.

Allele frequency attached by ClinVar (database versions not stated): TOPMed 0.00004; gnomAD 0.00005 and 0.00006; gnomAD exomes 0.00001.
gnomAD v4.1: 8 of 927,345 alleles (0.00086%); highest among the groups gnomAD compares: Non-Finnish European, 0.0011%; no homozygotes.

Submissions (5):

Labcorp Genetics (formerly Invitae), Labcorp
Classification: Uncertain significance for Developmental and epileptic encephalopathy, 1; Intellectual disability, X-linked, with or without seizures, ARX-related. Last evaluated: 2025-12-22. Review status: criteria provided, single submitter. Criteria: Invitae Variant Classification Sherloc (09022015). Collection method: clinical testing. Allele origin: germline.
Comment: This sequence change replaces serine, which is neutral and polar, with cysteine, which is neutral and slightly polar, at codon 71 of the ARX protein (p.Ser71Cys). The frequency data for this variant in the population databases is considered unreliable, as metrics indicate insufficient coverage at this position in the gnomAD database. This variant has not been reported in the literature in individuals affected with ARX-related conditions. ClinVar contains an entry for this variant (Variation ID: 157751). Invitae Evidence Modeling of protein sequence and biophysical properties (such as structural, functional, and spatial information, amino acid conservation, physicochemical variation, residue mobility, and thermodynamic stability) indicates that this missense variant is not expected to disrupt ARX protein function with a negative predictive value of 95%. In summary, the available evidence is currently insufficient to determine the role of this variant in disease. Therefore, it has been classified as a Variant of Uncertain Significance.

Ambry Genetics
Classification: Uncertain significance for Inborn genetic diseases. Last evaluated: 2023-03-28. Review status: criteria provided, single submitter. Criteria: Ambry Variant Classification Scheme 2023. Collection method: clinical testing. Allele origin: germline.

GeneDx
Classification: Likely benign. Last evaluated: 2020-01-28. Review status: criteria provided, single submitter. Criteria: GeneDx Variant Classification Process June 2021. Collection method: clinical testing. Allele origin: germline. Affected: yes.

Genetic Services Laboratory, University of Chicago
Classification: Likely benign. Last evaluated: 2016-02-04. Review status: criteria provided, single submitter. Criteria: ACMG Guidelines, 2015. Collection method: clinical testing. Allele origin: germline. Affected: no.

PreventionGenetics, part of Exact Sciences
Classification: Uncertain significance for ARX-related condition. Last evaluated: 2023-12-20. Review status: no assertion criteria provided. Collection method: clinical testing. Allele origin: germline. Not counted in ClinVar's aggregate classification.
Comment: The ARX c.211A>T variant is predicted to result in the amino acid substitution p.Ser71Cys. To our knowledge, this variant has not been reported in the literature or in a large population database, indicating this variant is rare. At this time, the clinical significance of this variant is uncertain due to the absence of conclusive functional and genetic evidence.

NM_139058.3(ARX):c.211A>T (p.Ser71Cys)

Gene: ARX (aristaless related homeobox; minus strand). Cytogenetic location: Xp21.3.
Variant type: single nucleotide variant.
Coding change: c.211A>T on transcript NM_139058.3 (MANE Select); coding-DNA position 211, A replaced by T.
Protein change: p.Ser71Cys; replaces serine 71 with cysteine.
Molecular consequence: missense variant.
Genome position (GRCh38, 1-based): chrX:25,013,784, T>A on the plus strand (A>T on the coding strand, the complement: ARX is on the minus strand). VCF-style: chrX-25013784-T-A. GRCh37 (hg19) VCF-style: chrX-25031901-T-A.
Other names: short protein forms S71C.
Identifiers: ClinVar variation 157751 (VCV000157751.18), dbSNP rs587783194, ClinGen allele CA233285.